The following is an entry in ClinVar:

ClinVar aggregate classification (germline): Uncertain significance (1 of 4 stars; one submission).

Allele frequency attached by ClinVar (database versions not stated): gnomAD exomes below 0.00001.
gnomAD v4.1: 3 of 1,540,830 alleles (0.00019%); highest among the groups gnomAD compares: Non-Finnish European, 0.00026%; no homozygotes.

Submission:

CeGaT Center for Human Genetics Tuebingen
Classification: Uncertain significance. Last evaluated: 2024-06-01. Review status: criteria provided, single submitter. Criteria: CeGaT Center For Human Genetics Tuebingen Variant Classification Criteria Version 2. Collection method: clinical testing. Allele origin: germline. Affected: yes. Observed: 1 variant allele.
Comment: DCHS1: PM2, PP2

NM_003737.4(DCHS1):c.4171G>A (p.Ala1391Thr)

Gene: DCHS1 (dachsous cadherin-related 1; minus strand). Cytogenetic location: 11p15.4.
Variant type: single nucleotide variant.
Coding change: c.4171G>A on transcript NM_003737.4 (MANE Select); coding-DNA position 4171, G replaced by A.
Protein change: p.Ala1391Thr; replaces alanine 1391 with threonine.
Molecular consequence: missense variant.
Genome position (GRCh38, 1-based): chr11:6,630,623, C>T on the plus strand (G>A on the coding strand, the complement: DCHS1 is on the minus strand). VCF-style: chr11-6630623-C-T. GRCh37 (hg19) VCF-style: chr11-6651854-C-T.
Other names: short protein forms A1391T.
Identifiers: ClinVar variation 3251171 (VCV003251171.18), dbSNP rs1000055994.